The following is an entry in ClinVar:

NM_018036.7(ATG2B):c.669C>T (p.Leu223=)

Gene: ATG2B (autophagy related 2B; minus strand). Cytogenetic location: 14q32.2.
Variant type: single nucleotide variant.
Coding change: c.669C>T on transcript NM_018036.7 (MANE Select); coding-DNA position 669, C replaced by T.
Protein change: p.Leu223=; no amino-acid change (leucine 223 retained).
Molecular consequence: synonymous variant.
Genome position (GRCh38, 1-based): chr14:96,343,194, G>A on the plus strand (C>T on the coding strand, the complement: ATG2B is on the minus strand). VCF-style: chr14-96343194-G-A. GRCh37 (hg19) VCF-style: chr14-96809531-G-A.
Identifiers: ClinVar variation 1336087 (VCV001336087.7), dbSNP rs79662280, ClinGen allele CA7336970.

ClinVar aggregate classification (germline): Benign/Likely benign. Review status: criteria provided, multiple submitters, no conflicts (2 of 4 stars). 3 submissions from 3 submitters: Benign (1); Likely benign (1). 1 of the submissions does not count toward it. Last evaluated 2021-11-22.

Conditions:
ATG2B-related disorder. Also called: ATG2B-related condition.

Allele frequency attached by ClinVar (database versions not stated): gnomAD exomes 0.00303; ExAC 0.00306; ESP Exome Variant Server 0.00565; gnomAD 0.00619 and 0.00637; 1000 Genomes Project 0.00659; TOPMed 0.00722; 1000 Genomes Project 30x 0.00796.
gnomAD v4.1: 3,794 of 1,609,794 alleles (0.24%); highest among the groups gnomAD compares: Middle Eastern, 1.5%; 30 homozygotes.

Submissions (3):

Genetic Services Laboratory, University of Chicago
Classification: Benign. Last evaluated: 2021-11-22. Review status: criteria provided, single submitter. Criteria: ACMG Guidelines, 2015. Collection method: clinical testing. Allele origin: germline. Affected: no.

Breakthrough Genomics
Classification: Likely benign. Review status: criteria provided, single submitter. Criteria: ACMG Guidelines, 2015. Collection method: not provided. Allele origin: germline. Inheritance: Unknown mechanism. Affected: yes.

PreventionGenetics, part of Exact Sciences
Classification: Benign for ATG2B-related condition. Last evaluated: 2020-01-06. Review status: no assertion criteria provided. Collection method: clinical testing. Allele origin: germline. Not counted in ClinVar's aggregate classification.
Comment: This variant is classified as benign based on ACMG/AMP sequence variant interpretation guidelines (Richards et al. 2015 PMID: 25741868, with internal and published modifications).